The following is an entry in ClinVar:

NM_001130009.3(GEN1):c.58C>G (p.Arg20Gly)

Gene: GEN1 (GEN1 Holliday junction 5' flap endonuclease; plus strand). Cytogenetic location: 2p24.2.
Variant type: single nucleotide variant.
Coding change: c.58C>G on transcript NM_001130009.3 (MANE Select); coding-DNA position 58, C replaced by G.
Protein change: p.Arg20Gly; replaces arginine 20 with glycine.
Molecular consequence: missense variant.
Genome position (GRCh38, 1-based): chr2:17,760,001, C>G. VCF-style: chr2-17760001-C-G. GRCh37 (hg19) VCF-style: chr2-17941268-C-G.
Other names: c.58C>G, p.Arg20Gly (NM_182625.5); short protein forms R20G.
Identifiers: ClinVar variation 4029162 (VCV004029162.1).

ClinVar aggregate classification (germline): Uncertain significance (1 of 4 stars; one submission).

gnomAD v4.1: 1 of 1,613,924 alleles (0.000062%); highest among the groups gnomAD compares: Non-Finnish European, 0.000085%; no homozygotes.

Submission:

Ambry Genetics
Classification: Uncertain significance. Last evaluated: 2025-03-25. Review status: criteria provided, single submitter. Criteria: Ambry Variant Classification Scheme 2023. Collection method: clinical testing. Allele origin: germline.
Comment: The p.R20G variant (also known as c.58C>G), located in coding exon 1 of the GEN1 gene, results from a C to G substitution at nucleotide position 58. The arginine at codon 20 is replaced by glycine, an amino acid with dissimilar properties. This amino acid position is conserved. In addition, this alteration is predicted to be tolerated by in silico analysis. Based on the available evidence, the clinical significance of this variant remains unclear.